The following is an entry in ClinVar:

ClinVar aggregate classification (germline): Uncertain significance (1 of 4 stars; one submission).

Conditions:
ALMS1-related disorder. Also called: ALMS1-related condition.

Submission:

PreventionGenetics, part of Exact Sciences
Classification: Uncertain significance for ALMS1-related condition. Last evaluated: 2022-10-10. Review status: criteria provided, single submitter. Criteria: ACMG Guidelines, 2015. Collection method: clinical testing. Allele origin: germline.
Comment: The ALMS1 c.4444A>G variant is predicted to result in the amino acid substitution p.Ile1482Val. To our knowledge, this variant has not been reported in the literature. This variant is reported in 0.012% of alleles in individuals of Latino descent in gnomAD. At this time, the clinical significance of this variant is uncertain due to the absence of conclusive functional and genetic evidence.

NM_001378454.1(ALMS1):c.4441A>G (p.Lys1481Glu)

Gene: ALMS1 (ALMS1 centrosome and basal body associated protein; plus strand). Cytogenetic location: 2p13.1.
Variant type: single nucleotide variant.
Coding change: c.4441A>G on transcript NM_001378454.1 (MANE Select); coding-DNA position 4441, A replaced by G.
Protein change: p.Lys1481Glu; replaces lysine 1481 with glutamic acid.
Molecular consequence: missense variant.
Genome position (GRCh38, 1-based): chr2:73,450,968, A>G. VCF-style: chr2-73450968-A-G. GRCh37 (hg19) VCF-style: chr2-73678095-A-G.
Other names: c.4444A>G, p.Lys1482Glu (NM_015120.4); short protein forms K1481E, K1482E.
Identifiers: ClinVar variation 2628815 (VCV002628815.1), dbSNP rs2466101744, ClinGen allele CA347278541.
Genomic context (GRCh38, chr2:73,450,968, plus strand): 5'-CCAGTTGACCAGACGATTGGCACACCAACTGTAACCTCCCCTTCCAGCTCATTTGGAGAG[A>G]AGCCCATTGTTATCTACAAACAGGCCTTTCCAGAGGGTCATCTACCTGAAGAGTCTCTGA-3'
Protein context (NP_001365383.1, residues 1471-1491): VTSPSSSFGE[Lys1481Glu]PIVIYKQAFP